The following is an entry in ClinVar:

NM_000051.4(ATM):c.6775T>C (p.Ser2259Pro)

Genes: ATM (ATM serine/threonine kinase; plus strand), C11orf65 (chromosome 11 open reading frame 65; minus strand). Cytogenetic location: 11q22.3.
Variant type: single nucleotide variant.
Coding change: c.6775T>C on transcript NM_000051.4 (MANE Select); coding-DNA position 6775, T replaced by C.
Protein change: p.Ser2259Pro; replaces serine 2259 with proline.
Molecular consequence: missense variant. On other transcripts: intron variant (2).
Genome position (GRCh38, 1-based): chr11:108,325,512, T>C. VCF-style: chr11-108325512-T-C. GRCh37 (hg19) VCF-style: chr11-108196239-T-C.
Other names: c.6775T>C, p.Ser2259Pro (NM_001351834.2); c.641-16441A>G (NM_001330368.2); c.*38+9708A>G (NM_001351110.2); short protein forms S2259P.
Identifiers: ClinVar variation 4760239 (VCV004760239.1).

ClinVar aggregate classification (germline): Uncertain significance (1 of 4 stars; one submission).

Conditions:
Ataxia-telangiectasia syndrome (AT). Also called: LOUIS-BAR SYNDROME; Cerebello-oculocutaneous telangiectasia; Immunodeficiency with ataxia telangiectasia; Ataxia-telangiectasia, complementation group D; AT, COMPLEMENTATION GROUP C; ATAXIA-TELANGIECTASIA, COMPLEMENTATION GROUP A. Identifiers: Orphanet 100, MedGen C0004135, MONDO:0008840, OMIM 208900.

Submission:

Labcorp Genetics (formerly Invitae), Labcorp
Classification: Uncertain significance for Ataxia-telangiectasia syndrome. Last evaluated: 2025-04-30. Review status: criteria provided, single submitter. Criteria: Invitae Variant Classification Sherloc (09022015). Collection method: clinical testing. Allele origin: germline.
Comment: This sequence change replaces serine, which is neutral and polar, with proline, which is neutral and non-polar, at codon 2259 of the ATM protein (p.Ser2259Pro). This variant is not present in population databases (gnomAD no frequency). This variant has not been reported in the literature in individuals affected with ATM-related conditions. Invitae Evidence Modeling of protein sequence and biophysical properties (such as structural, functional, and spatial information, amino acid conservation, physicochemical variation, residue mobility, and thermodynamic stability) has been performed for this missense variant. However, the output from this modeling did not meet the statistical confidence thresholds required to predict the impact of this variant on ATM protein function. In summary, the available evidence is currently insufficient to determine the role of this variant in disease. Therefore, it has been classified as a Variant of Uncertain Significance.